The following is an entry in ClinVar:

NM_003052.5(SLC34A1):c.532+2T>C

Gene: SLC34A1 (solute carrier family 34 member 1; plus strand). Cytogenetic location: 5q35.3.
Variant type: single nucleotide variant.
Coding change: c.532+2T>C on transcript NM_003052.5 (MANE Select); the canonical splice donor site of the intron after coding-DNA position 532, T replaced by C.
Molecular consequence: splice donor variant.
Genome position (GRCh38, 1-based): chr5:177,386,568, T>C. VCF-style: chr5-177386568-T-C. GRCh37 (hg19) VCF-style: chr5-176813569-T-C.
Other names: c.532+2T>C (NM_001167579.2).
Identifiers: ClinVar variation 1028069 (VCV001028069.2), dbSNP rs1762582225, ClinGen allele CA362364528.

ClinVar aggregate classification (germline): Conflicting classifications of pathogenicity. Review status: criteria provided, conflicting classifications (1 of 4 stars). 2 submissions from 2 submitters: Likely pathogenic (1); Uncertain significance (1). Last evaluated 2024-12-18.

Conditions:
Hypercalcemia, infantile, 2 (HCINF2). Identifiers: Orphanet 300547, MedGen C4310473, MONDO:0014851, OMIM 616963.

Submissions (2):

Genomic Medicine Center of Excellence, King Faisal Specialist Hospital and Research Centre
Classification: Uncertain significance for Hypercalcemia, infantile, 2. Last evaluated: 2024-12-18. Review status: criteria provided, single submitter. Criteria: ACMG Guidelines, 2015. Collection method: clinical testing. Allele origin: germline.

Baylor Genetics
Classification: Likely pathogenic for Hypercalcemia, infantile, 2. Last evaluated: 2019-12-09. Review status: criteria provided, single submitter. Criteria: ACMG Guidelines, 2015. Collection method: clinical testing. Allele origin: unknown. Affected: yes.
Comment: This variant was determined to be likely pathogenic according to ACMG Guidelines, 2015 [PMID:25741868].